The following is an entry in ClinVar:

NM_002225.5(IVD):c.109G>A (p.Asp37Asn)

Gene: IVD (isovaleryl-CoA dehydrogenase; plus strand). Cytogenetic location: 15q15.1.
Variant type: single nucleotide variant.
Coding change: c.109G>A on transcript NM_002225.5 (MANE Select); coding-DNA position 109, G replaced by A.
Protein change: p.Asp37Asn; replaces aspartic acid 37 with asparagine.
Molecular consequence: missense variant. On other transcripts: 5 prime UTR variant (1), non-coding transcript variant (1).
Genome position (GRCh38, 1-based): chr15:40,405,936, G>A. VCF-style: chr15-40405936-G-A. GRCh37 (hg19) VCF-style: chr15-40698137-G-A.
Other names: c.109G>A, p.Asp37Asn (NM_001159508.3, NM_001354598.3, NM_001354599.3 and 2 more transcripts); c.-319G>A (NM_001354597.3); short protein forms D37N.
Identifiers: ClinVar variation 1454153 (VCV001454153.8), dbSNP rs2141289961, ClinGen allele CA391743748.

ClinVar aggregate classification (germline): Pathogenic/Likely pathogenic. Review status: criteria provided, multiple submitters, no conflicts (2 of 4 stars). 3 submissions from 3 submitters: Pathogenic (1); Likely pathogenic (2). Last evaluated 2026-01-09.

Conditions:
Isovaleryl-CoA dehydrogenase deficiency (IVA). Also called: Isovaleric acidemia; Classic Isovaleric Acidemia; ISOVALERIC ACID CoA DEHYDROGENASE DEFICIENCY; IVD DEFICIENCY. Identifiers: Orphanet 33, MedGen C0268575, MONDO:0009475, OMIM 243500.

Submissions (3):

Labcorp Genetics (formerly Invitae), Labcorp
Classification: Pathogenic for Isovaleryl-CoA dehydrogenase deficiency. Last evaluated: 2026-01-09. Review status: criteria provided, single submitter. Criteria: Invitae Variant Classification Sherloc (09022015). Collection method: clinical testing. Allele origin: germline.
Comment: This sequence change replaces aspartic acid, which is acidic and polar, with asparagine, which is neutral and polar, at codon 40 of the IVD protein (p.Asp40Asn). RNA analysis indicates that this missense change induces altered splicing and likely results in a shortened protein product. This variant is not present in population databases (gnomAD no frequency). This missense change has been observed in individual(s) with IVD-related conditions (PMID: 9665741). ClinVar contains an entry for this variant (Variation ID: 1454153). An algorithm developed to predict the effect of missense changes on protein structure and function (PolyPhen-2) suggests that this variant is likely to be disruptive. Studies have shown that this missense change results in skipping of exon 2, but is expected to preserve the integrity of the reading-frame (PMID: 10677295). This variant disrupts a region of the IVD protein in which other variant(s) (p.Arg53His) have been determined to be pathogenic (PMID: 2063866, 10677295, 31442447; internal data). This suggests that this is a clinically significant region of the protein, and that variants that disrupt it are likely to be disease-causing. For these reasons, this variant has been classified as Pathogenic.

Women's Health and Genetics/Laboratory Corporation of America, LabCorp
Classification: Likely pathogenic for Isovaleryl-CoA dehydrogenase deficiency. Last evaluated: 2024-10-18. Review status: criteria provided, single submitter. Criteria: LabCorp Variant Classification Summary - May 2015. Collection method: clinical testing. Allele origin: germline.
Comment: Variant summary: IVD c.109G>A (p.Asp37Asn) also known as c.118G>A (p.Asp40Asn)results in a conservative amino acid change in the encoded protein sequence. Four of five in-silico tools predict a damaging effect of the variant on protein function. Consensus agreement among computation tools predict no significant impact on normal splicing. At least one publication reports experimental evidence that this variant affects mRNA splicing (internal_testing, Vockley_2000). The variant was absent in 245820 control chromosomes. c.109G>A has been reported in the literature in individuals affected with Isovaleryl-CoA Dehydrogenase Deficiency (Mohsen_1998). These report(s) do not provide unequivocal conclusions about association of the variant with Isovaleryl-CoA Dehydrogenase Deficiency. At least one publication reports experimental evidence evaluating an impact on protein function. This variant showed no detectable enzyme activity (Mohsen_1998). The following publications have been ascertained in the context of this evaluation (PMID: 9665741, 10677295). ClinVar contains an entry for this variant (Variation ID: 1454153). Based on the evidence outlined above, the variant was classified as likely pathogenic.

Baylor Genetics
Classification: Likely pathogenic for Isovaleryl-CoA dehydrogenase deficiency. Last evaluated: 2023-08-20. Review status: criteria provided, single submitter. Criteria: ACMG Guidelines, 2015. Collection method: clinical testing. Allele origin: unknown.

Literature cited by the submitters: PubMed 9665741 (cited by Labcorp Genetics (formerly Invitae), Labcorp and Women's Health and Genetics/Laboratory Corporation of America, LabCorp); PubMed 10677295 (cited by Labcorp Genetics (formerly Invitae), Labcorp and Women's Health and Genetics/Laboratory Corporation of America, LabCorp); PubMed 2063866 (cited by Labcorp Genetics (formerly Invitae), Labcorp); PubMed 31442447 (cited by Labcorp Genetics (formerly Invitae), Labcorp).